The following is an entry in ClinVar:

NM_021937.5(EEFSEC):c.688C>T (p.His230Tyr)

Gene: EEFSEC (eukaryotic elongation factor, selenocysteine-tRNA specific; plus strand). Cytogenetic location: 3q21.3.
Variant type: single nucleotide variant.
Coding change: c.688C>T on transcript NM_021937.5 (MANE Select); coding-DNA position 688, C replaced by T.
Protein change: p.His230Tyr; replaces histidine 230 with tyrosine.
Molecular consequence: missense variant. On other transcripts: intron variant (3).
Genome position (GRCh38, 1-based): chr3:128,264,683, C>T. VCF-style: chr3-128264683-C-T. GRCh37 (hg19) VCF-style: chr3-127983526-C-T.
Other names: c.688C>T, p.His230Tyr (NM_001437809.1, NM_001437810.1, NM_001437811.1 and 1 more transcripts); c.621+2459C>T (NM_001437812.1, NM_001437815.1, NM_001437813.1); short protein forms H230Y.
Identifiers: ClinVar variation 4885459 (VCV004885459.2).

ClinVar aggregate classification (germline): Uncertain significance (1 of 4 stars; one submission).

Submission:

Dasa
Classification: Uncertain significance. Last evaluated: 2025-12-15. Review status: criteria provided, single submitter. Criteria: DASA Assertion Criteria. Collection method: clinical testing. Allele origin: germline.
Comment: NM_021937.5(EEFSEC):c.688C>T (p.His230Tyr) is a missense variant that results in the substitution of histidine with tyrosine. This variant is rare in population databases. Computational prediction algorithms are consistent with a deleterious effect. The currently available literature and clinical evidence are not sufficient to establish a definitive association between this variant and the reported condition. Therefore, this variant is classified as a variant of uncertain significance.